The following is an entry in ClinVar:

NM_020693.4(DSCAML1):c.505A>C (p.Ile169Leu)

Gene: DSCAML1 (DS cell adhesion molecule like 1; minus strand). Cytogenetic location: 11q23.3.
Variant type: single nucleotide variant.
Coding change: c.505A>C on transcript NM_020693.4 (MANE Select); coding-DNA position 505, A replaced by C.
Protein change: p.Ile169Leu; replaces isoleucine 169 with leucine.
Molecular consequence: missense variant.
Genome position (GRCh38, 1-based): chr11:117,776,797, T>G on the plus strand (A>C on the coding strand, the complement: DSCAML1 is on the minus strand). VCF-style: chr11-117776797-T-G. GRCh37 (hg19) VCF-style: chr11-117647512-T-G.
Other names: c.505A>C, p.Ile169Leu (NM_001367904.1); c.97A>C, p.Ile33Leu (NM_001367905.1); short protein forms I33L, I169L.
Identifiers: ClinVar variation 2899245 (VCV002899245.3), dbSNP rs1227740809, ClinGen allele CA382758191.
Genomic context (GRCh38, chr11:117,776,797, plus strand): 5'-CAGTCCCCACAGAGGGAGCACCTCTGTCTGCCGCAGCCCCGGGACGCTTCTTACCTGGGA[T>G]GATGGAGACTGTGTCTTTCTCCCAAGATACAACGCTAACATATTCCTGCACTGAAGAGGG-3'
Protein context (NP_065744.3, residues 159-179): VSWEKDTVSI[Ile169Leu]PEHRFFITYH

ClinVar aggregate classification (germline): Uncertain significance (1 of 4 stars; one submission).

Allele frequency attached by ClinVar (database versions not stated): TOPMed below 0.00001.
gnomAD v4.1: 17 of 1,614,144 alleles (0.0011%); highest among the groups gnomAD compares: Non-Finnish European, 0.0014%; no homozygotes.

Submission:

Labcorp Genetics (formerly Invitae), Labcorp
Classification: Uncertain significance. Last evaluated: 2023-02-23. Review status: criteria provided, single submitter. Criteria: Invitae Variant Classification Sherloc (09022015). Collection method: clinical testing. Allele origin: germline.
Comment: This sequence change replaces isoleucine, which is neutral and non-polar, with leucine, which is neutral and non-polar, at codon 229 of the DSCAML1 protein (p.Ile229Leu). This variant is present in population databases (no rsID available, gnomAD 0.0009%). This variant has not been reported in the literature in individuals affected with DSCAML1-related conditions. An algorithm developed to predict the effect of missense changes on protein structure and function (PolyPhen-2) suggests that this variant is likely to be tolerated. In summary, the available evidence is currently insufficient to determine the role of this variant in disease. Therefore, it has been classified as a Variant of Uncertain Significance.